The following is an entry in ClinVar:

ClinVar aggregate classification (germline): Uncertain significance. Review status: criteria provided, multiple submitters, no conflicts (2 of 4 stars). 2 submissions from 2 submitters: Uncertain significance (2). Last evaluated 2025-11-20.

gnomAD v4.1: 67 of 1,614,002 alleles (0.0042%); highest among the groups gnomAD compares: Middle Eastern, 0.016%; no homozygotes.

Submissions (2):

Ambry Genetics
Classification: Uncertain significance. Last evaluated: 2025-11-20. Review status: criteria provided, single submitter. Criteria: Ambry Variant Classification Scheme 2023. Collection method: clinical testing. Allele origin: germline.

Labcorp Genetics (formerly Invitae), Labcorp
Classification: Uncertain significance. Last evaluated: 2024-05-28. Review status: criteria provided, single submitter. Criteria: Invitae Variant Classification Sherloc (09022015). Collection method: clinical testing. Allele origin: germline.
Comment: This sequence change replaces proline, which is neutral and non-polar, with leucine, which is neutral and non-polar, at codon 1299 of the NYNRIN protein (p.Pro1299Leu). This variant is present in population databases (rs189972799, gnomAD 0.01%). This variant has not been reported in the literature in individuals affected with NYNRIN-related conditions. Experimental studies and prediction algorithms are not available or were not evaluated, and the functional significance of this variant is currently unknown. In summary, the available evidence is currently insufficient to determine the role of this variant in disease. Therefore, it has been classified as a Variant of Uncertain Significance.

NM_025081.3(NYNRIN):c.3896C>T (p.Pro1299Leu)

Gene: NYNRIN (NYN domain and retroviral integrase containing; plus strand). Cytogenetic location: 14q12.
Variant type: single nucleotide variant.
Coding change: c.3896C>T on transcript NM_025081.3 (MANE Select); coding-DNA position 3896, C replaced by T.
Protein change: p.Pro1299Leu; replaces proline 1299 with leucine.
Molecular consequence: missense variant.
Genome position (GRCh38, 1-based): chr14:24,415,645, C>T. VCF-style: chr14-24415645-C-T. GRCh37 (hg19) VCF-style: chr14-24884851-C-T.
Other names: c.3896C>T (NM_025081.2); short protein forms P1299L.
Identifiers: ClinVar variation 3630911 (VCV003630911.3).